The following is an entry in ClinVar:

NM_001376.5(DYNC1H1):c.12849G>A (p.Lys4283=)

Gene: DYNC1H1 (dynein cytoplasmic 1 heavy chain 1; plus strand). Cytogenetic location: 14q32.31.
Variant type: single nucleotide variant.
Coding change: c.12849G>A on transcript NM_001376.5 (MANE Select); coding-DNA position 12849, G replaced by A.
Protein change: p.Lys4283=; no amino-acid change (lysine 4283 retained).
Molecular consequence: synonymous variant.
Genome position (GRCh38, 1-based): chr14:102,044,438, G>A. VCF-style: chr14-102044438-G-A. GRCh37 (hg19) VCF-style: chr14-102510775-G-A.
Identifiers: ClinVar variation 392217 (VCV000392217.12), dbSNP rs751398567, ClinGen allele CA7354047.

ClinVar aggregate classification (germline): Likely benign. Review status: criteria provided, multiple submitters, no conflicts (2 of 4 stars). 3 submissions from 3 submitters: Likely benign (3). Last evaluated 2025-11-26.

Conditions:
DYNC1H1-related disorder. Also called: DYNC1H1-related condition; DYNC1H1-related disorders. Identifiers: MedGen CN381529.
Charcot-Marie-Tooth disease axonal type 2O. Also called: Charcot-Marie-Tooth disease, axonal, type 20; Charcot-Marie-Tooth Neuropathy Type 2O; CHARCOT-MARIE-TOOTH NEUROPATHY, AXONAL, TYPE 2O; CHARCOT-MARIE-TOOTH DISEASE, AXONAL, AUTOSOMAL DOMINANT, TYPE 2O. Identifiers: Orphanet 284232, MedGen C3280220, MONDO:0013644, OMIM 614228.

Allele frequency attached by ClinVar (database versions not stated): ExAC 0.00001; gnomAD exomes 0.00001 and 0.00004; TOPMed 0.00002; gnomAD 0.00003.
gnomAD v4.1: 68 of 1,614,118 alleles (0.0042%); highest among the groups gnomAD compares: Non-Finnish European, 0.0056%; no homozygotes.

Submissions (3):

PreventionGenetics, part of Exact Sciences
Classification: Likely benign for DYNC1H1-related condition. Last evaluated: 2025-11-26. Review status: criteria provided, single submitter. Criteria: ACMG Guidelines, 2015. Collection method: clinical testing. Allele origin: germline.
Comment: This variant is classified as likely benign based on ACMG/AMP sequence variant interpretation guidelines (Richards et al. 2015 PMID: 25741868, with internal and published modifications).

Labcorp Genetics (formerly Invitae), Labcorp
Classification: Likely benign for Charcot-Marie-Tooth disease axonal type 2O. Last evaluated: 2024-05-08. Review status: criteria provided, single submitter. Criteria: Invitae Variant Classification Sherloc (09022015). Collection method: clinical testing. Allele origin: germline.

GeneDx
Classification: Likely benign. Last evaluated: 2016-12-23. Review status: criteria provided, single submitter. Criteria: GeneDx Variant Classification (06012015). Collection method: clinical testing. Allele origin: germline. Affected: yes.
Comment: This variant is considered likely benign or benign based on one or more of the following criteria: it is a conservative change, it occurs at a poorly conserved position in the protein, it is predicted to be benign by multiple in silico algorithms, and/or has population frequency not consistent with disease.